The following is an entry in ClinVar:

NM_001365951.3(KIF1B):c.2965_2966del (p.Leu989fs)

Gene: KIF1B (kinesin family member 1B; plus strand). Cytogenetic location: 1p36.22.
Variant type: Deletion.
Coding change: c.2965_2966del on transcript NM_001365951.3 (MANE Select); coding-DNA positions 2965 to 2966, 2 bases deleted (CT; older notation c.2965_2966delCT).
Protein change: p.Leu989fs; shifts the reading frame from leucine 989.
Molecular consequence: frameshift variant.
Genome position (GRCh38, 1-based): chr1:10,334,560-10,334,561, CT deleted. VCF-style (leftmost placement, unchanged base first): chr1-10334559-CCT-C. GRCh37 (hg19) VCF-style: chr1-10394617-CCT-C.
Other names: c.2965_2966del, p.Leu989fs (NM_001365952.1); c.2827_2828del, p.Leu943fs (NM_015074.3); short protein forms L943fs, L989fs.
Identifiers: ClinVar variation 2134062 (VCV002134062.4), dbSNP rs2521700368, ClinGen allele CA2580060448.

ClinVar aggregate classification (germline): Uncertain significance (1 of 4 stars; one submission).

Conditions:
Charcot-Marie-Tooth disease type 2. Also called: Charcot-Marie-Tooth type 2. Identifiers: Orphanet 64746, MedGen C0270914, MONDO:0018993.

Submission:

Labcorp Genetics (formerly Invitae), Labcorp
Classification: Uncertain significance for Charcot-Marie-Tooth disease type 2. Last evaluated: 2022-05-05. Review status: criteria provided, single submitter. Criteria: Invitae Variant Classification Sherloc (09022015). Collection method: clinical testing. Allele origin: germline.
Comment: In summary, the available evidence is currently insufficient to determine the role of this variant in disease. Therefore, it has been classified as a Variant of Uncertain Significance. This variant has not been reported in the literature in individuals affected with KIF1B-related conditions. This variant is not present in population databases (gnomAD no frequency). This sequence change creates a premature translational stop signal (p.Leu943Aspfs*9) in the KIF1B gene. It is expected to result in an absent or disrupted protein product. However, the current clinical and genetic evidence is not sufficient to establish whether loss-of-function variants in KIF1B cause disease.